The following is an entry in ClinVar:

ClinVar aggregate classification (germline): Benign/Likely benign. Review status: criteria provided, multiple submitters, no conflicts (2 of 4 stars). 2 submissions from 2 submitters: Benign (1); Likely benign (1). Last evaluated 2024-06-18.

Conditions:
Familial cancer of breast. Also called: Hereditary breast cancer; hereditary breast carcinoma; BREAST CANCER, FAMILIAL. Identifiers: Orphanet 227535, MedGen C0346153, MONDO:0016419, OMIM 114480. Disease mechanism: loss of function.
Hereditary cancer-predisposing syndrome. Also called: Hereditary neoplastic syndrome; Neoplastic Syndromes, Hereditary; Tumor predisposition; Hereditary Cancer Syndrome. Identifiers: Orphanet 140162, MedGen C0027672, MeSH D009386, MONDO:0015356.

gnomAD v4.1: 1 of 1,613,748 alleles (0.000062%); highest among the groups gnomAD compares: Non-Finnish European, 0.000085%; no homozygotes.

Submissions (2):

Myriad Genetics, Inc.
Classification: Benign for Familial cancer of breast. Last evaluated: 2024-06-18. Review status: criteria provided, single submitter. Criteria: Myriad Autosomal Dominant, Autosomal Recessive and X-Linked Classification Criteria (2023). Collection method: clinical testing. Allele origin: unknown.
Comment: This variant is considered benign. This variant is a silent/synonymous amino acid change and it is not expected to impact splicing.

Ambry Genetics
Classification: Likely benign for Hereditary cancer-predisposing syndrome. Last evaluated: 2022-05-01. Review status: criteria provided, single submitter. Criteria: Ambry Variant Classification Scheme 2023. Collection method: clinical testing. Allele origin: germline.

NM_000051.4(ATM):c.8046T>G (p.Thr2682=)

Genes: ATM (ATM serine/threonine kinase; plus strand), C11orf65 (chromosome 11 open reading frame 65; minus strand). Cytogenetic location: 11q22.3.
Variant type: single nucleotide variant.
Coding change: c.8046T>G on transcript NM_000051.4 (MANE Select); coding-DNA position 8046, T replaced by G.
Protein change: p.Thr2682=; no amino-acid change (threonine 2682 retained).
Molecular consequence: synonymous variant. On other transcripts: intron variant (2).
Genome position (GRCh38, 1-based): chr11:108,335,004, T>G. VCF-style: chr11-108335004-T-G. GRCh37 (hg19) VCF-style: chr11-108205731-T-G.
Other names: c.8046T>G, p.Thr2682= (NM_001351834.2); c.641-25933A>C (NM_001330368.2); c.*38+216A>C (NM_001351110.2).
Identifiers: ClinVar variation 1761776 (VCV001761776.3), dbSNP rs876660435, ClinGen allele CA476677632.